The following is an entry in ClinVar:

NM_016553.5(NUP62):c.1518C>T (p.Cys506=)

Genes: IL4I1 (interleukin 4 induced 1; minus strand), NUP62 (nucleoporin 62; minus strand). Cytogenetic location: 19q13.33.
Variant type: single nucleotide variant.
Coding change: c.1518C>T on transcript NM_016553.5 (MANE Select); coding-DNA position 1518, C replaced by T.
Protein change: p.Cys506=; no amino-acid change (cysteine 506 retained).
Molecular consequence: synonymous variant. On other transcripts: intron variant (3).
Genome position (GRCh38, 1-based): chr19:49,908,290, G>A on the plus strand (C>T on the coding strand, the complement: NUP62 is on the minus strand). VCF-style: chr19-49908290-G-A. GRCh37 (hg19) VCF-style: chr19-50411547-G-A.
Other names: c.1518C>T, p.Cys506= (NM_001193357.2, NM_012346.5, NM_153718.4 and 1 more transcripts); c.-227-3969C>T (NM_001258017.2, NM_172374.3); c.-285-3969C>T (NM_001258018.2).
Identifiers: ClinVar variation 719935 (VCV000719935.19), dbSNP rs144664411, ClinGen allele CA9588868.

ClinVar aggregate classification (germline): Benign/Likely benign. Review status: criteria provided, multiple submitters, no conflicts (2 of 4 stars). 4 submissions from 4 submitters: Benign (2); Likely benign (2). Last evaluated 2026-01-26.

Allele frequency attached by ClinVar (database versions not stated): 1000 Genomes Project 30x 0.00172; gnomAD exomes 0.00300 and 0.00429; ESP Exome Variant Server 0.00400; TOPMed 0.00348; gnomAD 0.00363 and 0.00318; 1000 Genomes Project 0.00140; ExAC 0.00325.
gnomAD v4.1: 6,783 of 1,613,882 alleles (0.42%); highest among the groups gnomAD compares: Non-Finnish European, 0.5%; 22 homozygotes.

Submissions (4):

Labcorp Genetics (formerly Invitae), Labcorp
Classification: Benign. Last evaluated: 2026-01-26. Review status: criteria provided, single submitter. Criteria: Invitae Variant Classification Sherloc (09022015). Collection method: clinical testing. Allele origin: germline.

CeGaT Center for Human Genetics Tuebingen
Classification: Likely benign. Last evaluated: 2025-03-01. Review status: criteria provided, single submitter. Criteria: CeGaT Center For Human Genetics Tuebingen Variant Classification Criteria Version 2. Collection method: clinical testing. Allele origin: germline. Affected: yes. Observed: 1 variant allele.
Comment: IL4I1: BS2; NUP62: BP4, BP7, BS2

Blueprint Genetics
Classification: Likely benign. Last evaluated: 2024-11-26. Review status: criteria provided, single submitter. Criteria: ACMG Guidelines, 2015. Collection method: clinical testing. Allele origin: germline.

Breakthrough Genomics
Classification: Benign. Review status: criteria provided, single submitter. Criteria: ACMG Guidelines, 2015. Collection method: not provided. Allele origin: germline. Inheritance: Autosomal recessive inheritance. Affected: yes.